The following is an entry in ClinVar:

ClinVar aggregate classification (germline): Pathogenic. Review status: criteria provided, multiple submitters, no conflicts (2 of 4 stars). 2 submissions from 2 submitters: Pathogenic (2). Last evaluated 2021-08-10.

Conditions:
Wilson disease (WND). Also called: Wilson's disease. Identifiers: Orphanet 905, MedGen C0019202, MONDO:0010200, OMIM 277900. Disease mechanism: loss of function.

Submissions (2):

Genome-Nilou Lab
Classification: Pathogenic for Wilson disease. Last evaluated: 2021-08-10. Review status: criteria provided, single submitter. Criteria: ACMG Guidelines, 2015. Collection method: clinical testing. Allele origin: germline. Affected: no.

Labcorp Genetics (formerly Invitae), Labcorp
Classification: Pathogenic for Wilson disease. Last evaluated: 2020-07-20. Review status: criteria provided, single submitter. Criteria: Invitae Variant Classification Sherloc (09022015). Collection method: clinical testing. Allele origin: germline.
Comment: This sequence change creates a premature translational stop signal (p.Val1024Aspfs*3) in the ATP7B gene. It is expected to result in an absent or disrupted protein product. For these reasons, this variant has been classified as Pathogenic. Loss-of-function variants in ATP7B are known to be pathogenic (PMID: 10441329, 16283883). This variant has not been reported in the literature in individuals with ATP7B-related conditions. This variant is not present in population databases (ExAC no frequency).

Literature cited by the submitters: PubMed 10441329 (cited by Labcorp Genetics (formerly Invitae), Labcorp); PubMed 16283883 (cited by Labcorp Genetics (formerly Invitae), Labcorp).

NM_000053.4(ATP7B):c.3071_3072del (p.Val1024fs)

Gene: ATP7B (ATPase copper transporting beta; minus strand). Cytogenetic location: 13q14.3.
Variant type: Microsatellite.
Coding change: c.3071_3072del on transcript NM_000053.4 (MANE Select); coding-DNA positions 3071 to 3072, 2 bases deleted (TG; older notation c.3071_3072delTG).
Protein change: p.Val1024fs; shifts the reading frame from valine 1024.
Molecular consequence: frameshift variant.
Genome position (GRCh38, 1-based): chr13:51,944,280-51,944,281, CA deleted on the plus strand (TG on the coding strand, the reverse complement: ATP7B is on the minus strand); deleting any 2 consecutive bases within chr13:51,944,280-51,944,283 gives the same sequence; the c. name uses the placement nearest the transcript's 3' end. VCF-style (leftmost placement, unchanged base first): chr13-51944279-TCA-T. GRCh37 (hg19) VCF-style: chr13-52518415-TCA-T.
Other names: c.2450_2451del, p.Val817fs (NM_001005918.3); c.2738_2739del, p.Val913fs (NM_001243182.2); c.2837_2838del, p.Val946fs (NM_001330578.2); c.2819_2820del, p.Val940fs (NM_001330579.2); short protein forms V1024fs, V817fs, V913fs, V940fs, V946fs.
Identifiers: ClinVar variation 1068802 (VCV001068802.9), dbSNP rs1957519682, ClinGen allele CA2091564247.